The following is an entry in ClinVar:

ClinVar aggregate classification (germline): Uncertain significance (1 of 4 stars; one submission).

Conditions:
Hereditary cancer-predisposing syndrome. Also called: Tumor predisposition; Neoplastic Syndromes, Hereditary; Hereditary Cancer Syndrome; Hereditary neoplastic syndrome. Identifiers: Orphanet 140162, MedGen C0027672, MeSH D009386, MONDO:0015356.

Submission:

Ambry Genetics
Classification: Uncertain significance for Hereditary cancer-predisposing syndrome. Last evaluated: 2026-02-05. Review status: criteria provided, single submitter. Criteria: Ambry Variant Classification Scheme 2023. Collection method: clinical testing. Allele origin: germline.
Comment: The c.1927-5G>C intronic variant results from a G to C substitution 5 nucleotides upstream from coding exon 17 in the MRE11A gene. This nucleotide position is poorly conserved in available vertebrate species. In silico splice site analysis predicts that this alteration will not have any significant effect on splicing. Based on the available evidence, the clinical significance of this variant remains unclear.

NM_005591.4(MRE11):c.1927-5G>C

Gene: MRE11 (MRE11 double strand break repair nuclease; minus strand). Cytogenetic location: 11q21.
Variant type: single nucleotide variant.
Coding change: c.1927-5G>C on transcript NM_005591.4 (MANE Select); 5 bases into the intron before coding-DNA position 1927, G replaced by C.
Molecular consequence: intron variant.
Genome position (GRCh38, 1-based): chr11:94,435,904, C>G on the plus strand (G>C on the coding strand, the complement: MRE11 is on the minus strand). VCF-style: chr11-94435904-C-G. GRCh37 (hg19) VCF-style: chr11-94169070-C-G.
Other names: c.1924-5G>C (NM_001330347.2); c.1843-5G>C (NM_005590.4).
Identifiers: ClinVar variation 820358 (VCV000820358.5), dbSNP rs1591641001, ClinGen allele CA915947740.